The following is an entry in ClinVar:

ClinVar aggregate classification (germline): Uncertain significance (1 of 4 stars; one submission).

Allele frequency attached by ClinVar (database versions not stated): TOPMed below 0.00001.
gnomAD v4.1: 2 of 1,550,272 alleles (0.00013%); highest among the groups gnomAD compares: East Asian, 0.0049%; no homozygotes.

Submission:

Labcorp Genetics (formerly Invitae), Labcorp
Classification: Uncertain significance. Last evaluated: 2022-02-05. Review status: criteria provided, single submitter. Criteria: Invitae Variant Classification Sherloc (09022015). Collection method: clinical testing. Allele origin: germline.
Comment: This sequence change replaces glycine, which is neutral and non-polar, with glutamic acid, which is acidic and polar, at codon 1100 of the EYS protein (p.Gly1100Glu). This variant is present in population databases (no rsID available, gnomAD 0.02%). This variant has not been reported in the literature in individuals affected with EYS-related conditions. Algorithms developed to predict the effect of missense changes on protein structure and function output the following: SIFT: "Deleterious"; PolyPhen-2: "Benign"; Align-GVGD: "Class C15". The glutamic acid amino acid residue is found in multiple mammalian species, which suggests that this missense change does not adversely affect protein function. In summary, the available evidence is currently insufficient to determine the role of this variant in disease. Therefore, it has been classified as a Variant of Uncertain Significance.

NM_001142800.2(EYS):c.3299G>A (p.Gly1100Glu)

Gene: EYS (eyes shut homolog; minus strand). Cytogenetic location: 6q12.
Variant type: single nucleotide variant.
Coding change: c.3299G>A on transcript NM_001142800.2 (MANE Select); coding-DNA position 3299, G replaced by A.
Protein change: p.Gly1100Glu; replaces glycine 1100 with glutamic acid.
Molecular consequence: missense variant.
Genome position (GRCh38, 1-based): chr6:64,813,522, C>T on the plus strand (G>A on the coding strand, the complement: EYS is on the minus strand). VCF-style: chr6-64813522-C-T. GRCh37 (hg19) VCF-style: chr6-65523415-C-T.
Other names: c.3299G>A, p.Gly1100Glu (NM_001292009.2); short protein forms G1100E.
Identifiers: ClinVar variation 2182616 (VCV002182616.1), dbSNP rs1168933491, ClinGen allele CA364786982.
Genomic context (GRCh38, chr6:64,813,522, plus strand): 5'-TTATCAATGCTTTTTTCACAGTATGCACCAGTGTATCCACGTGGGCAAATGCAAGTAAAT[C>T]CATGTGCTGACTTCTGACAGAAGCCTTCATTCATACAAGGGATTGATGTGCAGTCCTAGA-3'
Protein context (NP_001136272.1, residues 1090-1110): NEGFCQKSAH[Gly1100Glu]FTCICPRGYT